The following is an entry in ClinVar:

NM_006922.4(SCN3A):c.5480C>T (p.Ala1827Val)

Gene: SCN3A (sodium voltage-gated channel alpha subunit 3; minus strand). Cytogenetic location: 2q24.3.
Variant type: single nucleotide variant.
Coding change: c.5480C>T on transcript NM_006922.4 (MANE Select); coding-DNA position 5480, C replaced by T.
Protein change: p.Ala1827Val; replaces alanine 1827 with valine.
Molecular consequence: missense variant.
Genome position (GRCh38, 1-based): chr2:165,090,673, G>A on the plus strand (C>T on the coding strand, the complement: SCN3A is on the minus strand). VCF-style: chr2-165090673-G-A. GRCh37 (hg19) VCF-style: chr2-165947183-G-A.
Other names: c.5333C>T, p.Ala1778Val (NM_001081676.2, NM_001081677.2); short protein forms A1827V, A1778V.
Identifiers: ClinVar variation 5009950 (VCV005009950.1).

ClinVar aggregate classification (germline): Uncertain significance (1 of 4 stars; one submission).

gnomAD v4.1: 2 of 1,613,942 alleles (0.00012%); highest among the groups gnomAD compares: Admixed American, 0.0017%; no homozygotes.

Submission:

GeneDx
Classification: Uncertain significance. Last evaluated: 2026-02-23. Review status: criteria provided, single submitter. Criteria: GeneDx Variant Classification Process June 2021. Collection method: clinical testing. Allele origin: germline.
Comment: Not observed at significant frequency in large population cohorts (gnomAD); In silico analysis suggests that this missense variant does not alter protein structure/function; Has not been previously published as pathogenic or benign to our knowledge